The following is an entry in ClinVar:

ClinVar aggregate classification (germline): Likely benign. Review status: criteria provided, multiple submitters, no conflicts (2 of 4 stars). 3 submissions from 3 submitters: Likely benign (3). Last evaluated 2026-08-01.

Conditions:
APC2-related disorder. Also called: APC2-Related Disorders; APC2-related condition.

Allele frequency attached by ClinVar (database versions not stated): gnomAD exomes 0.00001 and 0.00025; gnomAD 0.00015 and 0.00016; TOPMed 0.00051.

Submissions (3):

CeGaT Center for Human Genetics Tuebingen
Classification: Likely benign. Last evaluated: 2026-08-01. Review status: criteria provided, single submitter. Criteria: CeGaT Center For Human Genetics Tuebingen Variant Classification Criteria Version 2. Collection method: clinical testing. Allele origin: germline. Affected: yes. Observed: 6 variant alleles.
Comment: APC2: BP4, BP7

Labcorp Genetics (formerly Invitae), Labcorp
Classification: Likely benign. Last evaluated: 2025-12-10. Review status: criteria provided, single submitter. Criteria: Invitae Variant Classification Sherloc (09022015). Collection method: clinical testing. Allele origin: germline.

PreventionGenetics, part of Exact Sciences
Classification: Likely benign for APC2-related condition. Last evaluated: 2024-12-19. Review status: criteria provided, single submitter. Criteria: ACMG Guidelines, 2015. Collection method: clinical testing. Allele origin: germline.
Comment: This variant is classified as likely benign based on ACMG/AMP sequence variant interpretation guidelines (Richards et al. 2015 PMID: 25741868, with internal and published modifications).

NM_005883.3(APC2):c.6204T>C (p.Pro2068=)

Genes: APC2 (APC regulator of Wnt signaling pathway 2; plus strand), LOC130062957 (ATAC-STARR-seq lymphoblastoid silent region 9719; plus strand). Cytogenetic location: 19p13.3.
Variant type: single nucleotide variant.
Coding change: c.6204T>C on transcript NM_005883.3 (MANE Select); coding-DNA position 6204, T replaced by C.
Protein change: p.Pro2068=; no amino-acid change (proline 2068 retained).
Molecular consequence: synonymous variant.
Genome position (GRCh38, 1-based): chr19:1,469,505, T>C. VCF-style: chr19-1469505-T-C. GRCh37 (hg19) VCF-style: chr19-1469504-T-C.
Other names: c.6201T>C, p.Pro2067= (NM_001351273.1).
Identifiers: ClinVar variation 714160 (VCV000714160.18), dbSNP rs1033995807, ClinGen allele CA304082185.
Genomic context (GRCh38, chr19:1,469,505, plus strand): 5'-GGCACCCCGGCAGGGCCCGGCCCCGGCCCGGCAGCGGCCCCCCGCGGCCCGACCCAGCCC[T>C]GGCGAGCGCCCTGCCCGGCGCACCACCTCCGAGAGCCCGTCCCGCCTGCCTGTGCGCGCG-3'
Protein context (NP_005874.1, residues 2058-2078): RQRPPAARPS[Pro2068=]GERPARRTTS